The following is an entry in ClinVar:

ClinVar aggregate classification (germline): Likely benign (1 of 4 stars; one submission).

gnomAD v4.1: 1 of 1,613,978 alleles (0.000062%); highest among the groups gnomAD compares: Non-Finnish European, 0.000085%; no homozygotes.

Submission:

CeGaT Center for Human Genetics Tuebingen
Classification: Likely benign. Last evaluated: 2024-12-01. Review status: criteria provided, single submitter. Criteria: CeGaT Center For Human Genetics Tuebingen Variant Classification Criteria Version 2. Collection method: clinical testing. Allele origin: germline. Affected: yes. Observed: 1 variant allele.
Comment: KCNH5: BP4

NM_139318.5(KCNH5):c.2724C>T (p.Thr908=)

Gene: KCNH5 (potassium voltage-gated channel subfamily H member 5; minus strand). Cytogenetic location: 14q23.2.
Variant type: single nucleotide variant.
Coding change: c.2724C>T on transcript NM_139318.5 (MANE Select); coding-DNA position 2724, C replaced by T.
Protein change: p.Thr908=; no amino-acid change (threonine 908 retained).
Molecular consequence: synonymous variant. On other transcripts: 3 prime UTR variant (1).
Genome position (GRCh38, 1-based): chr14:62,707,751, G>A on the plus strand (C>T on the coding strand, the complement: KCNH5 is on the minus strand). VCF-style: chr14-62707751-G-A. GRCh37 (hg19) VCF-style: chr14-63174469-G-A.
Other names: c.*691C>T (NM_172375.3).
Identifiers: ClinVar variation 3390214 (VCV003390214.14).